The following is an entry in ClinVar:

NM_000051.4(ATM):c.8731dup (p.Thr2911fs)

Genes: ATM (ATM serine/threonine kinase; plus strand), C11orf65 (chromosome 11 open reading frame 65; minus strand). Cytogenetic location: 11q22.3.
Variant type: Duplication.
Coding change: c.8731dup on transcript NM_000051.4 (MANE Select); coding-DNA position 8731, one base duplicated (A; older notation c.8731dupA).
Protein change: p.Thr2911fs; shifts the reading frame from threonine 2911.
Molecular consequence: frameshift variant. On other transcripts: intron variant (2).
Genome position (GRCh38, 1-based): chr11:108,353,825, A duplicated. VCF-style (leftmost placement, unchanged base first): chr11-108353824-C-CA. GRCh37 (hg19) VCF-style: chr11-108224551-C-CA.
Other names: c.8731dupA (NM_000051.3); c.8731dup, p.Thr2911fs (NM_001351834.2); c.640+32095dup (NM_001330368.2); c.695-18533dup (NM_001351110.2); short protein forms T2911fs.
Identifiers: ClinVar variation 1400987 (VCV001400987.10), dbSNP rs2137291352, ClinGen allele CA2573146565.
Genomic context (GRCh38, chr11:108,353,824, plus strand): 5'-AGGTGTTGCTTTTGAACAGGGCAAAATCCTTCCTACTCCTGAGACAGTTCCTTTTAGACT[C>CA]ACCAGAGATATTGTGGATGGCATGGGCATTACGGGTGTTGAAGGTGTCTTCAGAAGGTAA-3'

ClinVar aggregate classification (germline): Pathogenic/Likely pathogenic. Review status: criteria provided, multiple submitters, no conflicts (2 of 4 stars). 4 submissions from 4 submitters: Pathogenic (3); Likely pathogenic (1). Last evaluated 2025-07-31.

Conditions:
Ataxia-telangiectasia syndrome (AT). Also called: Ataxia-telangiectasia; LOUIS-BAR SYNDROME; Ataxia-telangiectasia, complementation group D; AT, COMPLEMENTATION GROUP C; ATAXIA-TELANGIECTASIA, COMPLEMENTATION GROUP A; ATAXIA-TELANGIECTASIA, FRESNO VARIANT. Identifiers: Orphanet 100, MedGen C0004135, MONDO:0008840, OMIM 208900.
Hereditary cancer-predisposing syndrome. Also called: Tumor predisposition; Neoplastic Syndromes, Hereditary; Hereditary Cancer Syndrome; Hereditary neoplastic syndrome. Identifiers: Orphanet 140162, MedGen C0027672, MeSH D009386, MONDO:0015356.
Familial cancer of breast. Also called: BREAST CANCER, FAMILIAL; Hereditary breast cancer; hereditary breast carcinoma. Identifiers: Orphanet 227535, MedGen C0346153, MONDO:0016419, OMIM 114480. Disease mechanism: loss of function.

Allele frequency attached by ClinVar (database versions not stated): gnomAD exomes below 0.00001.

Submissions (4):

Labcorp Genetics (formerly Invitae), Labcorp
Classification: Pathogenic for Ataxia-telangiectasia syndrome. Last evaluated: 2025-07-31. Review status: criteria provided, single submitter. Criteria: Invitae Variant Classification Sherloc (09022015). Collection method: clinical testing. Allele origin: germline.
Comment: This sequence change creates a premature translational stop signal (p.Thr2911Asnfs*14) in the ATM gene. It is expected to result in an absent or disrupted protein product. Loss-of-function variants in ATM are known to be pathogenic (PMID: 23807571, 25614872). This variant is not present in population databases (gnomAD no frequency). This variant has not been reported in the literature in individuals affected with ATM-related conditions. ClinVar contains an entry for this variant (Variation ID: 1400987). For these reasons, this variant has been classified as Pathogenic.

Ambry Genetics
Classification: Pathogenic for Hereditary cancer-predisposing syndrome. Last evaluated: 2024-09-27. Review status: criteria provided, single submitter. Criteria: Ambry Variant Classification Scheme 2023. Collection method: clinical testing. Allele origin: germline.
Comment: The c.8731dupA pathogenic mutation, located in coding exon 59 of the ATM gene, results from a duplication of A at nucleotide position 8731, causing a translational frameshift with a predicted alternate stop codon (p.T2911Nfs*14). This variant is considered to be rare based on population cohorts in the Genome Aggregation Database (gnomAD). This alteration is expected to result in loss of function by premature protein truncation or nonsense-mediated mRNA decay. As such, this alteration is interpreted as a disease-causing mutation.

Myriad Genetics, Inc.
Classification: Pathogenic for Familial cancer of breast. Last evaluated: 2024-02-05. Review status: criteria provided, single submitter. Criteria: Myriad Autosomal Dominant, Autosomal Recessive and X-Linked Classification Criteria (2023). Collection method: clinical testing. Allele origin: unknown.
Comment: This variant is considered pathogenic. This variant creates a frameshift predicted to result in premature protein truncation.

Baylor Genetics
Classification: Likely pathogenic for Familial cancer of breast. Last evaluated: 2023-04-10. Review status: criteria provided, single submitter. Criteria: ACMG Guidelines, 2015. Collection method: clinical testing. Allele origin: unknown.

Literature cited by the submitters: PubMed 23807571 (cited by Labcorp Genetics (formerly Invitae), Labcorp); PubMed 25614872 (cited by Labcorp Genetics (formerly Invitae), Labcorp).